The following is an entry in ClinVar:

ClinVar aggregate classification (germline): Conflicting classifications of pathogenicity. Review status: criteria provided, conflicting classifications (1 of 4 stars). 9 submissions from 9 submitters: Uncertain significance (4); Likely benign (5). Last evaluated 2025-12-19.

Conditions:
SMAD4-related disorder. Also called: SMAD4-related condition; SMAD4-Related disorders.
Familial thoracic aortic aneurysm and aortic dissection (TAAD). Also called: Thoracic aortic aneurysms and dissections. Identifiers: Orphanet 91387, MedGen C4707243, MONDO:0019625.
Hereditary cancer-predisposing syndrome. Also called: Neoplastic Syndromes, Hereditary; Tumor predisposition; Hereditary Cancer Syndrome; Hereditary neoplastic syndrome. Identifiers: Orphanet 140162, MedGen C0027672, MeSH D009386, MONDO:0015356.
Juvenile polyposis syndrome (JPS). Identifiers: Orphanet 2929, MedGen C0345893, MONDO:0017380, OMIM 174900.

Allele frequency attached by ClinVar (database versions not stated): gnomAD exomes below 0.00001; ExAC 0.00001; gnomAD 0.00010 and 0.00011; TOPMed 0.00010; 1000 Genomes Project 30x 0.00016; 1000 Genomes Project 0.00020.

Submissions (9):

Labcorp Genetics (formerly Invitae), Labcorp
Classification: Likely benign for Juvenile polyposis syndrome. Last evaluated: 2025-12-19. Review status: criteria provided, single submitter. Criteria: Invitae Variant Classification Sherloc (09022015). Collection method: clinical testing. Allele origin: germline.

PreventionGenetics, part of Exact Sciences
Classification: Likely benign for SMAD4-related condition. Last evaluated: 2025-11-02. Review status: criteria provided, single submitter. Criteria: ACMG Guidelines, 2015. Collection method: clinical testing. Allele origin: germline.
Comment: This variant is classified as likely benign based on ACMG/AMP sequence variant interpretation guidelines (Richards et al. 2015 PMID: 25741868, with internal and published modifications).

Quest Diagnostics Nichols Institute San Juan Capistrano
Classification: Uncertain significance. Last evaluated: 2025-07-20. Review status: criteria provided, single submitter. Criteria: Quest Diagnostics criteria. Collection method: clinical testing. Allele origin: unknown.
Comment: The SMAD4 c.466A>T (p.Met156Leu) variant has been reported in the published literature in individuals with breast cancer (PMID: 36315513 (2022)), pancreatic cancer (PMID: 33939675 (2021)), and colorectal cancer (PMID: 28944238 (2017)). The frequency of this variant in the general population (Genome Aggregation Database) is higher than would generally be expected for pathogenic variants in this gene. Analysis of this variant using bioinformatics tools for the prediction of the effect of amino acid changes on protein structure and function yielded predictions that this variant is benign. Based on the available information, we are unable to determine the clinical significance of this variant.

GeneDx
Classification: Uncertain significance. Last evaluated: 2024-11-19. Review status: criteria provided, single submitter. Criteria: GeneDx Variant Classification Process June 2021. Collection method: clinical testing. Allele origin: germline. Affected: yes.
Comment: Not observed at significant frequency in large population cohorts (gnomAD); In silico analysis indicates that this missense variant does not alter protein structure/function; This variant is associated with the following publications: (PMID: 18823382, 22992590, 15235019, 36315513, 28944238, 33939675)

Revvity Omics, Revvity
Classification: Uncertain significance. Last evaluated: 2024-10-07. Review status: criteria provided, single submitter. Criteria: ACMG Guidelines, 2015. Collection method: clinical testing. Allele origin: germline.

Color Diagnostics, LLC DBA Color Health
Classification: Likely benign for Hereditary cancer-predisposing syndrome. Last evaluated: 2024-01-29. Review status: criteria provided, single submitter. Criteria: ACMG Guidelines, 2015. Collection method: clinical testing. Allele origin: germline.

Ambry Genetics
Classification: Likely benign for Hereditary cancer-predisposing syndrome; Familial thoracic aortic aneurysm and aortic dissection. Last evaluated: 2023-04-20. Review status: criteria provided, single submitter. Criteria: Ambry Variant Classification Scheme 2023. Collection method: clinical testing. Allele origin: germline.

Sema4
Classification: Likely benign for Hereditary cancer-predisposing syndrome. Last evaluated: 2021-02-17. Review status: criteria provided, single submitter. Criteria: Sema4 Curation Guidelines. Collection method: curation. Allele origin: germline.

Women's Health and Genetics/Laboratory Corporation of America, LabCorp
Classification: Uncertain significance. Last evaluated: 2020-08-24. Review status: criteria provided, single submitter. Criteria: LabCorp Variant Classification Summary - May 2015. Collection method: clinical testing. Allele origin: germline.
Comment: Variant summary: SMAD4 c.466A>T (p.Met156Leu) results in a conservative amino acid change in the encoded protein sequence. Four of five in-silico tools predict a benign effect of the variant on protein function. The variant allele was found at a frequency of 4e-06 in 251400 control chromosomes (gnomAD). The available data on variant occurrences in the general population are insufficient to allow any conclusion about variant significance. To our knowledge, no occurrence of c.466A>T in individuals affected with Juvenile Polyposis Syndrome and no experimental evidence demonstrating its impact on protein function have been reported. Three ClinVar submitters (evaluation after 2014) cite the variant as uncertain significance. Based on the evidence outlined above, the variant was classified as uncertain significance.

Literature cited by the submitters: PubMed 36315513 (cited by Quest Diagnostics Nichols Institute San Juan Capistrano); PubMed 33939675 (cited by Quest Diagnostics Nichols Institute San Juan Capistrano); PubMed 28944238 (cited by Quest Diagnostics Nichols Institute San Juan Capistrano).

NM_005359.6(SMAD4):c.466A>T (p.Met156Leu)

Gene: SMAD4 (SMAD family member 4; plus strand). Cytogenetic location: 18q21.2.
Variant type: single nucleotide variant.
Coding change: c.466A>T on transcript NM_005359.6 (MANE Select); coding-DNA position 466, A replaced by T.
Protein change: p.Met156Leu; replaces methionine 156 with leucine.
Molecular consequence: missense variant.
Genome position (GRCh38, 1-based): chr18:51,054,792, A>T. VCF-style: chr18-51054792-A-T. GRCh37 (hg19) VCF-style: chr18-48581162-A-T.
Other names: short protein forms M156L.
Identifiers: ClinVar variation 405506 (VCV000405506.35), dbSNP rs534355764, ClinGen allele CA8965820.
Genomic context (GRCh38, chr18:51,054,792, plus strand): 5'-GGGAATAGAAGCTTATAAAAATTTAAAATATGTTTAATTTTCTATATAGCTCCATCAAGT[A>T]TGATGGTGAAGGATGAATATGTGCATGACTTTGAGGGACAGCCATCGTTGTCCACTGAAG-3'
Protein context (NP_005350.1, residues 146-166): LTLQSNAPSS[Met156Leu]MVKDEYVHDF